The following is an entry in ClinVar:

NM_014283.5(SUCO):c.847A>G (p.Lys283Glu)

Gene: SUCO (SUN domain containing ossification factor; plus strand). Cytogenetic location: 1q24.3.
Variant type: single nucleotide variant.
Coding change: c.847A>G on transcript NM_014283.5 (MANE Select); coding-DNA position 847, A replaced by G.
Protein change: p.Lys283Glu; replaces lysine 283 with glutamic acid.
Molecular consequence: missense variant. On other transcripts: 5 prime UTR variant (1).
Genome position (GRCh38, 1-based): chr1:172,569,133, A>G. VCF-style: chr1-172569133-A-G. GRCh37 (hg19) VCF-style: chr1-172538273-A-G.
Other names: c.736A>G, p.Lys246Glu (NM_001282750.2); c.-683A>G (NM_001282751.2); c.1321A>G, p.Lys441Glu (NM_016227.4); short protein forms K441E, K283E, K246E.
Identifiers: ClinVar variation 1515330 (VCV001515330.6), dbSNP rs1305309729, ClinGen allele CA343737384.

ClinVar aggregate classification (germline): Uncertain significance (1 of 4 stars; one submission).

Allele frequency attached by ClinVar (database versions not stated): gnomAD exomes below 0.00001; TOPMed below 0.00001.
gnomAD v4.1: 3 of 1,555,272 alleles (0.00019%); highest among the groups gnomAD compares: Non-Finnish European, 0.00026%; no homozygotes.

Submission:

Labcorp Genetics (formerly Invitae), Labcorp
Classification: Uncertain significance. Last evaluated: 2021-10-20. Review status: criteria provided, single submitter. Criteria: Invitae Variant Classification Sherloc (09022015). Collection method: clinical testing. Allele origin: germline.
Comment: In summary, the available evidence is currently insufficient to determine the role of this variant in disease. Therefore, it has been classified as a Variant of Uncertain Significance. Algorithms developed to predict the effect of missense changes on protein structure and function (SIFT, PolyPhen-2, Align-GVGD) all suggest that this variant is likely to be tolerated. This variant has not been reported in the literature in individuals affected with SUCO-related conditions. This variant is not present in population databases (ExAC no frequency). This sequence change replaces lysine with glutamic acid at codon 283 of the SUCO protein (p.Lys283Glu). The lysine residue is moderately conserved and there is a small physicochemical difference between lysine and glutamic acid.